The following is an entry in ClinVar:

ClinVar aggregate classification (germline): Uncertain significance (1 of 4 stars; one submission).

Allele frequency attached by ClinVar (database versions not stated): gnomAD exomes below 0.00001; ExAC 0.00001.
gnomAD v4.1: 1 of 1,614,168 alleles (0.000062%); highest among the groups gnomAD compares: Non-Finnish European, 0.000085%; no homozygotes.

Submission:

Ambry Genetics
Classification: Uncertain significance. Last evaluated: 2023-12-04. Review status: criteria provided, single submitter. Criteria: Ambry Variant Classification Scheme 2023. Collection method: clinical testing. Allele origin: germline.
Comment: The p.E78D variant (also known as c.234A>C), located in coding exon 3 of the NQO1 gene, results from an A to C substitution at nucleotide position 234. The glutamic acid at codon 78 is replaced by aspartic acid, an amino acid with highly similar properties. This amino acid position is conserved. In addition, this alteration is predicted to be tolerated by in silico analysis. Since supporting evidence is limited at this time, the clinical significance of this alteration remains unclear.

NM_000903.3(NQO1):c.234A>C (p.Glu78Asp)

Gene: NQO1 (NAD(P)H quinone dehydrogenase 1; minus strand). Cytogenetic location: 16q22.1.
Variant type: single nucleotide variant.
Coding change: c.234A>C on transcript NM_000903.3 (MANE Select); coding-DNA position 234, A replaced by C.
Protein change: p.Glu78Asp; replaces glutamic acid 78 with aspartic acid.
Molecular consequence: missense variant.
Genome position (GRCh38, 1-based): chr16:69,718,192, T>G on the plus strand (A>C on the coding strand, the complement: NQO1 is on the minus strand). VCF-style: chr16-69718192-T-G. GRCh37 (hg19) VCF-style: chr16-69752095-T-G.
Other names: c.234A>C, p.Glu78Asp (NM_001025433.2, NM_001025434.2, NM_001286137.2); short protein forms E78D.
Identifiers: ClinVar variation 3232307 (VCV003232307.1), dbSNP rs765690206, ClinGen allele CA8136278.